The following is an entry in ClinVar:

NM_001330360.2(POLA1):c.592A>G (p.Asn198Asp)

Gene: POLA1 (DNA polymerase alpha 1, catalytic subunit; plus strand). Cytogenetic location: Xp22.11.
Variant type: single nucleotide variant.
Coding change: c.592A>G on transcript NM_001330360.2 (MANE Select); coding-DNA position 592, A replaced by G.
Protein change: p.Asn198Asp; replaces asparagine 198 with aspartic acid.
Molecular consequence: missense variant. On other transcripts: non-coding transcript variant (2).
Genome position (GRCh38, 1-based): chrX:24,716,428, A>G. VCF-style: chrX-24716428-A-G. GRCh37 (hg19) VCF-style: chrX-24734545-A-G.
Other names: c.592A>G, p.Asn198Asp (NM_001378303.1, NM_001440806.1); c.574A>G, p.Asn192Asp (NM_016937.4); short protein forms N192D, N198D.
Identifiers: ClinVar variation 4742999 (VCV004742999.1).

ClinVar aggregate classification (germline): Uncertain significance (1 of 4 stars; one submission).

Submission:

Labcorp Genetics (formerly Invitae), Labcorp
Classification: Uncertain significance. Last evaluated: 2025-10-21. Review status: criteria provided, single submitter. Criteria: Invitae Variant Classification Sherloc (09022015). Collection method: clinical testing. Allele origin: germline.
Comment: This sequence change replaces asparagine, which is neutral and polar, with aspartic acid, which is acidic and polar, at codon 192 of the POLA1 protein (p.Asn192Asp). This variant is not present in population databases (gnomAD no frequency). This variant has not been reported in the literature in individuals affected with POLA1-related conditions. Invitae Evidence Modeling of protein sequence and biophysical properties (such as structural, functional, and spatial information, amino acid conservation, physicochemical variation, residue mobility, and thermodynamic stability) has been performed for this missense variant. However, the output from this modeling did not meet the statistical confidence thresholds required to predict the impact of this variant on POLA1 protein function. In summary, the available evidence is currently insufficient to determine the role of this variant in disease. Therefore, it has been classified as a Variant of Uncertain Significance.